The following is an entry in ClinVar:

ClinVar aggregate classification (germline): Uncertain significance. Review status: criteria provided, multiple submitters, no conflicts (2 of 4 stars). 2 submissions from 2 submitters: Uncertain significance (2). Last evaluated 2025-05-04.

Conditions:
Inborn genetic diseases. Identifiers: MedGen C0950123, MeSH D030342.
Familial cold autoinflammatory syndrome 2 (FCAS2). Identifiers: Orphanet 247868, MedGen C2673198, MONDO:0012724, OMIM 611762.

Submissions (2):

Ambry Genetics
Classification: Uncertain significance for Inborn genetic diseases. Last evaluated: 2025-05-04. Review status: criteria provided, single submitter. Criteria: Ambry Variant Classification Scheme 2023. Collection method: clinical testing. Allele origin: germline.

Labcorp Genetics (formerly Invitae), Labcorp
Classification: Uncertain significance for Familial cold autoinflammatory syndrome 2. Last evaluated: 2023-07-05. Review status: criteria provided, single submitter. Criteria: Invitae Variant Classification Sherloc (09022015). Collection method: clinical testing. Allele origin: germline.
Comment: Advanced modeling of protein sequence and biophysical properties (such as structural, functional, and spatial information, amino acid conservation, physicochemical variation, residue mobility, and thermodynamic stability) performed at Invitae indicates that this missense variant is not expected to disrupt NLRP12 protein function. In summary, the available evidence is currently insufficient to determine the role of this variant in disease. Therefore, it has been classified as a Variant of Uncertain Significance. This sequence change replaces alanine, which is neutral and non-polar, with proline, which is neutral and non-polar, at codon 449 of the NLRP12 protein (p.Ala449Pro). This variant is not present in population databases (gnomAD no frequency). This variant has not been reported in the literature in individuals affected with NLRP12-related conditions.

NM_144687.4(NLRP12):c.1345G>C (p.Ala449Pro)

Gene: NLRP12 (NLR family pyrin domain containing 12; minus strand). Cytogenetic location: 19q13.42.
Variant type: single nucleotide variant.
Coding change: c.1345G>C on transcript NM_144687.4 (MANE Select); coding-DNA position 1345, G replaced by C.
Protein change: p.Ala449Pro; replaces alanine 449 with proline.
Molecular consequence: missense variant.
Genome position (GRCh38, 1-based): chr19:53,810,314, C>G on the plus strand (G>C on the coding strand, the complement: NLRP12 is on the minus strand). VCF-style: chr19-53810314-C-G. GRCh37 (hg19) VCF-style: chr19-54313568-C-G.
Other names: c.1345G>C, p.Ala449Pro (NM_001277126.2, NM_001277129.1); c.1345G>C (NM_144687.2); short protein forms A449P.
Identifiers: ClinVar variation 2715321 (VCV002715321.4), dbSNP rs1210179524, ClinGen allele CA407413731.
Genomic context (GRCh38, chr19:53,810,314, plus strand): 5'-GCCCATCTGCCGCCAAGGAGCACAACCCTCTCTGGTTGGGTGGGGGCTGGAGGCGCGGGG[C>G]CCCCGGCTTGGGTTGCATCAGACTCAGCAGGTAGAGCATGTACACTGCAGTGGTGGTCCT-3'
Protein context (NP_653288.1, residues 439-459): LLSLMQPKPG[Ala449Pro]PRLQPPPNQR